The following is an entry in ClinVar:

ClinVar aggregate classification (germline): Uncertain significance (1 of 4 stars; one submission).

Allele frequency attached by ClinVar (database versions not stated): gnomAD 0.00001.
gnomAD v4.1: 3 of 1,613,728 alleles (0.00019%); highest among the groups gnomAD compares: African/African-American, 0.004%; no homozygotes.

Submissions (2):

Labcorp Genetics (formerly Invitae), Labcorp
Classification: Uncertain significance. Last evaluated: 2022-08-21. Review status: criteria provided, single submitter. Criteria: Invitae Variant Classification Sherloc (09022015). Collection method: clinical testing. Allele origin: germline.
Comment: In summary, the available evidence is currently insufficient to determine the role of this variant in disease. Therefore, it has been classified as a Variant of Uncertain Significance. This sequence change replaces arginine, which is basic and polar, with glycine, which is neutral and non-polar, at codon 89 of the FLNB protein (p.Arg89Gly). This variant is present in population databases (rs755518501, gnomAD 0.007%). This variant has not been reported in the literature in individuals affected with FLNB-related conditions. Advanced modeling of protein sequence and biophysical properties (such as structural, functional, and spatial information, amino acid conservation, physicochemical variation, residue mobility, and thermodynamic stability) performed at Invitae indicates that this missense variant is not expected to disrupt FLNB protein function. Algorithms developed to predict the effect of sequence changes on RNA splicing suggest that this variant may create or strengthen a splice site.

Dr. Peter K. Rogan Lab, Western University
No classification provided (evidence only). Condition: Hepatocellular carcinoma. Review status: no classification provided. Collection method: in vitro. Allele origin: not applicable. Functional consequence: retained intron. Not counted in ClinVar's aggregate classification.

NM_001457.4(FLNB):c.265C>G (p.Arg89Gly)

Gene: FLNB (filamin B; plus strand). Cytogenetic location: 3p14.3.
Variant type: single nucleotide variant.
Coding change: c.265C>G on transcript NM_001457.4 (MANE Select); coding-DNA position 265, C replaced by G.
Protein change: p.Arg89Gly; replaces arginine 89 with glycine.
Molecular consequence: missense variant.
Genome position (GRCh38, 1-based): chr3:58,008,829, C>G. VCF-style: chr3-58008829-C-G. GRCh37 (hg19) VCF-style: chr3-57994556-C-G.
Other names: c.265C>G, p.Arg89Gly (NM_001164317.2, NM_001164318.2, NM_001164319.2); short protein forms R89G.
Identifiers: ClinVar variation 1908435 (VCV001908435.6), dbSNP rs755518501, ClinGen allele CA2467481.